The following is an entry in ClinVar:

NM_001364171.2(ODAD1):c.1606G>T (p.Ala536Ser)

Gene: ODAD1 (outer dynein arm docking complex subunit 1; minus strand). Cytogenetic location: 19q13.33.
Variant type: single nucleotide variant.
Coding change: c.1606G>T on transcript NM_001364171.2 (MANE Select); coding-DNA position 1606, G replaced by T.
Protein change: p.Ala536Ser; replaces alanine 536 with serine.
Molecular consequence: missense variant.
Genome position (GRCh38, 1-based): chr19:48,297,494, C>A on the plus strand (G>T on the coding strand, the complement: ODAD1 is on the minus strand). VCF-style: chr19-48297494-C-A. GRCh37 (hg19) VCF-style: chr19-48800751-C-A.
Other names: c.1495G>T, p.Ala499Ser (NM_144577.4); short protein forms A499S, A536S.
Identifiers: ClinVar variation 262491 (VCV000262491.22), dbSNP rs61747754, ClinGen allele CA9548614.
Genomic context (GRCh38, chr19:48,297,494, plus strand): 5'-CCACGCTCAGGGTGCCGTCCAGCTTCGCGGCGGCGGCGGCCAGGTCCTTCTGGCGCTGCG[C>A]CTCCGCCTGCTCCTGGAGCTCCACCTGCAGGGAAGGTGAACTGGGCCCCGACACACACTG-3'
Protein context (NP_001351100.1, residues 526-546): KLVELQEQAE[Ala536Ser]QRQKDLAAAA

ClinVar aggregate classification (germline): Benign. Review status: criteria provided, multiple submitters, no conflicts (2 of 4 stars). 8 submissions from 8 submitters: Benign (8). Last evaluated 2026-02-04.

Conditions:
Primary ciliary dyskinesia. Also called: Ciliary dyskinesia. Identifiers: Orphanet 244, MedGen C0008780, MONDO:0016575, HP:0012265.

Allele frequency attached by ClinVar (database versions not stated): 1000 Genomes Project 0.10124; 1000 Genomes Project 30x 0.10478; gnomAD exomes 0.12804 and 0.16130; gnomAD 0.14363 and 0.14598; ExAC 0.14504; TOPMed 0.14815; ESP Exome Variant Server 0.15880.
gnomAD v4.1: 256,097 of 1,602,864 alleles (16%); highest among the groups gnomAD compares: Middle Eastern, 19%; 22,199 homozygotes.

Submissions (8):

Labcorp Genetics (formerly Invitae), Labcorp
Classification: Benign for Primary ciliary dyskinesia. Last evaluated: 2026-02-04. Review status: criteria provided, single submitter. Criteria: Invitae Variant Classification Sherloc (09022015). Collection method: clinical testing. Allele origin: germline.

Blueprint Genetics
Classification: Benign. Last evaluated: 2024-11-28. Review status: criteria provided, single submitter. Criteria: ACMG Guidelines, 2015. Collection method: clinical testing. Allele origin: germline.

Mayo Clinic Laboratories, Mayo Clinic
Classification: Benign. Last evaluated: 2022-04-26. Review status: criteria provided, single submitter. Criteria: ACMG Guidelines, 2015. Collection method: clinical testing. Allele origin: germline. Observed: 64 variant alleles.

GeneDx
Classification: Benign. Last evaluated: 2018-11-10. Review status: criteria provided, single submitter. Criteria: GeneDx Variant Classification Process June 2021. Collection method: clinical testing. Allele origin: germline. Affected: yes.

Ambry Genetics
Classification: Benign for Primary ciliary dyskinesia. Last evaluated: 2016-07-08. Review status: criteria provided, single submitter. Criteria: Ambry Variant Classification Scheme 2023. Collection method: clinical testing. Allele origin: germline.

Laboratory for Molecular Medicine, Mass General Brigham Personalized Medicine
Classification: Benign. Last evaluated: 2016-03-29. Review status: criteria provided, single submitter. Criteria: LMM Criteria. Collection method: clinical testing. Allele origin: germline.
Comment: Variant identified in a genome or exome case(s) and assessed due to predicted null impact of the variant or pathogenic assertions in the literature or databases. Disclaimer: This variant has not undergone full assessment. The following are preliminary notes: Frequency

Breakthrough Genomics
Classification: Benign. Review status: criteria provided, single submitter. Criteria: ACMG Guidelines, 2015. Collection method: not provided. Allele origin: germline. Inheritance: Autosomal recessive inheritance. Affected: yes.

PreventionGenetics, part of Exact Sciences
Classification: Benign. Review status: criteria provided, single submitter. Criteria: ACMG Guidelines, 2015. Collection method: clinical testing. Allele origin: germline.